The following is an entry in ClinVar:

ClinVar aggregate classification (germline): Likely benign. Review status: criteria provided, multiple submitters, no conflicts (2 of 4 stars). 3 submissions from 3 submitters: Likely benign (3). Last evaluated 2026-08-01.

Allele frequency attached by ClinVar (database versions not stated): gnomAD 0.00007; TOPMed 0.00007; ESP Exome Variant Server 0.00008.
gnomAD v4.1: 85 of 1,614,056 alleles (0.0053%); highest among the groups gnomAD compares: Middle Eastern, 0.082%; no homozygotes.

Submissions (3):

CeGaT Center for Human Genetics Tuebingen
Classification: Likely benign. Last evaluated: 2026-08-01. Review status: criteria provided, single submitter. Criteria: CeGaT Center For Human Genetics Tuebingen Variant Classification Criteria Version 2. Collection method: clinical testing. Allele origin: germline. Affected: yes. Observed: 1 variant allele.
Comment: FAT4: BP4, BP7

Labcorp Genetics (formerly Invitae), Labcorp
Classification: Likely benign. Last evaluated: 2026-01-13. Review status: criteria provided, single submitter. Criteria: Invitae Variant Classification Sherloc (09022015). Collection method: clinical testing. Allele origin: germline.

Blueprint Genetics
Classification: Likely benign. Last evaluated: 2024-09-02. Review status: criteria provided, single submitter. Criteria: ACMG Guidelines, 2015. Collection method: clinical testing. Allele origin: germline.

NM_001291303.3(FAT4):c.11340C>T (p.Gly3780=)

Gene: FAT4 (FAT atypical cadherin 4; plus strand). Cytogenetic location: 4q28.1.
Variant type: single nucleotide variant.
Coding change: c.11340C>T on transcript NM_001291303.3 (MANE Select); coding-DNA position 11340, C replaced by T.
Protein change: p.Gly3780=; no amino-acid change (glycine 3780 retained).
Molecular consequence: synonymous variant.
Genome position (GRCh38, 1-based): chr4:125,452,350, C>T. VCF-style: chr4-125452350-C-T. GRCh37 (hg19) VCF-style: chr4-126373505-C-T.
Other names: c.11340C>T, p.Gly3780= (NM_001291285.3); c.11334C>T, p.Gly3778= (NM_024582.6).
Identifiers: ClinVar variation 2154669 (VCV002154669.6), dbSNP rs140612818, ClinGen allele CA3073830.